The following is an entry in ClinVar:

NM_001374736.1(DST):c.20053dup (p.Thr6685fs)

Gene: DST (dystonin; minus strand). Cytogenetic location: 6p12.1.
Variant type: Duplication.
Coding change: c.20053dup on transcript NM_001374736.1 (MANE Select); coding-DNA position 20053, one base duplicated (A; older notation c.20053dupA).
Protein change: p.Thr6685fs; shifts the reading frame from threonine 6685.
Molecular consequence: frameshift variant.
Genome position (GRCh38, 1-based): chr6:56,497,897, T duplicated on the plus strand (A on the coding strand, the reverse complement: DST is on the minus strand); the first of 6 consecutive T bases (chr6:56,497,897-56,497,902); duplicating any one gives the same sequence. VCF-style (leftmost placement, unchanged base first): chr6-56497896-G-GT. GRCh37 (hg19) VCF-style: chr6-56362694-G-GT.
Other names: c.13696dup, p.Thr4566fs (NM_001144769.5); c.13282dup, p.Thr4428fs (NM_001144770.2); c.20053dup, p.Thr6685fs (NM_001374722.1); c.19093dup, p.Thr6365fs (NM_001374729.1); c.12835dup, p.Thr4279fs (NM_001374730.1); c.20080dup, p.Thr6694fs (NM_001374734.1); c.12184dup, p.Thr4062fs (NM_015548.5); c.13162dup, p.Thr4388fs (NM_183380.4); short protein forms T4388fs, T4062fs, T4566fs, T6365fs, T6694fs, T4428fs, T4279fs, T6685fs.
Identifiers: ClinVar variation 966656 (VCV000966656.3), dbSNP rs2095976276, ClinGen allele CA645550696.

ClinVar aggregate classification (germline): Pathogenic (1 of 4 stars; one submission).

Conditions:
Hereditary sensory and autonomic neuropathy type 6. Also called: Neuropathy, hereditary sensory and autonomic, type VI; HSAN VI. Identifiers: Orphanet 314381, MedGen C3539003, MONDO:0013839, OMIM 614653.
Epidermolysis bullosa simplex 3, localized or generalized intermediate, with BP230 deficiency (EBS3). Also called: Epidermolysis bullosa simplex, autosomal recessive 2; Epidermolysis bullosa simplex due to BP230 deficiency. Identifiers: Orphanet 412181, MedGen C3809470, MONDO:0014180, OMIM 615425.

Submission:

Labcorp Genetics (formerly Invitae), Labcorp
Classification: Pathogenic for Epidermolysis bullosa simplex 3, localized or generalized intermediate, with BP230 deficiency; Hereditary sensory and autonomic neuropathy type 6. Last evaluated: 2024-07-23. Review status: criteria provided, single submitter. Criteria: Invitae Variant Classification Sherloc (09022015). Collection method: clinical testing. Allele origin: germline.
Comment: The DST gene has multiple clinically relevant transcripts. This variant occurs in alternate transcript NM_015548.4, and corresponds to NM_001723.5:c.*117620dup in the primary transcript. This sequence change creates a premature translational stop signal (p.Thr4062Asnfs*23) in the DST gene. It is expected to result in an absent or disrupted protein product. Loss-of-function variants in DST are known to be pathogenic (PMID: 22522446, 25059916, 30371979). This variant is not present in population databases (gnomAD no frequency). This variant has not been reported in the literature in individuals affected with DST-related conditions. For these reasons, this variant has been classified as Pathogenic.

Literature cited by the submitters: PubMed 22522446; PubMed 25059916; PubMed 30371979.